The following is an entry in ClinVar:

ClinVar aggregate classification (germline): Uncertain significance (1 of 4 stars; one submission).

Conditions:
Early-infantile DEE. Also called: Ohtahara syndrome; Early infantile epileptic encephalopathy; Early infantile epileptic encephalopathy with suppression bursts. Identifiers: Orphanet 1934, MedGen C0393706, MONDO:0800491.

Submission:

Labcorp Genetics (formerly Invitae), Labcorp
Classification: Uncertain significance for Early-infantile DEE. Last evaluated: 2023-08-03. Review status: criteria provided, single submitter. Criteria: Invitae Variant Classification Sherloc (09022015). Collection method: clinical testing. Allele origin: germline.
Comment: This variant is not present in population databases (gnomAD no frequency). This sequence change falls in intron 39 of the SPTAN1 gene. It does not directly change the encoded amino acid sequence of the SPTAN1 protein. It affects a nucleotide within the consensus splice site. This variant has not been reported in the literature in individuals affected with SPTAN1-related conditions. In summary, the available evidence is currently insufficient to determine the role of this variant in disease. Therefore, it has been classified as a Variant of Uncertain Significance. Variants that disrupt the consensus splice site are a relatively common cause of aberrant splicing (PMID: 17576681, 9536098). Algorithms developed to predict the effect of sequence changes on RNA splicing suggest that this variant is not likely to affect RNA splicing.

Literature cited by the submitters: PubMed 17576681; PubMed 9536098.

NM_001130438.3(SPTAN1):c.5043+5C>A

Gene: SPTAN1 (spectrin alpha, non-erythrocytic 1; plus strand). Cytogenetic location: 9q34.11.
Variant type: single nucleotide variant.
Coding change: c.5043+5C>A on transcript NM_001130438.3 (MANE Select); 5 bases into the intron after coding-DNA position 5043, C replaced by A.
Molecular consequence: intron variant.
Genome position (GRCh38, 1-based): chr9:128,612,251, C>A. VCF-style: chr9-128612251-C-A. GRCh37 (hg19) VCF-style: chr9-131374530-C-A.
Other names: c.5079+5C>A (NM_001375318.1, NM_001375312.2); c.5043+5C>A (NM_001375311.2, NM_001375310.1, NM_001363759.2 and 1 more transcripts); c.4983+5C>A (NM_001375314.2, NM_001363765.2); c.5028+5C>A (NM_003127.4); c.4968+5C>A (NM_001195532.2).
Identifiers: ClinVar variation 2749761 (VCV002749761.3), dbSNP rs2541845537, ClinGen allele CA2697558089.